The following is an entry in ClinVar:

ClinVar aggregate classification (germline): Likely benign (0 of 4 stars; one submission).

Conditions:
ATXN1-related disorder. Also called: ATXN1-related condition.

Allele frequency attached by ClinVar (database versions not stated): TOPMed 0.00001; ExAC 0.00008.
gnomAD v4.1: 38 of 1,607,504 alleles (0.0024%); highest among the groups gnomAD compares: South Asian, 0.019%; no homozygotes.

Submission:

PreventionGenetics, part of Exact Sciences
Classification: Likely benign for ATXN1-related condition. Last evaluated: 2019-03-26. Review status: no assertion criteria provided. Collection method: clinical testing. Allele origin: germline.
Comment: This variant is classified as likely benign based on ACMG/AMP sequence variant interpretation guidelines (Richards et al. 2015 PMID: 25741868, with internal and published modifications).

NM_001128164.2(ATXN1):c.570G>A (p.Thr190=)

Gene: ATXN1 (ataxin 1; minus strand). Cytogenetic location: 6p22.3.
Variant type: single nucleotide variant.
Coding change: c.570G>A on transcript NM_001128164.2 (MANE Select); coding-DNA position 570, G replaced by A.
Protein change: p.Thr190=; no amino-acid change (threonine 190 retained).
Molecular consequence: synonymous variant. On other transcripts: missense variant (1).
Genome position (GRCh38, 1-based): chr6:16,327,741, C>T on the plus strand (G>A on the coding strand, the complement: ATXN1 is on the minus strand). VCF-style: chr6-16327741-C-T. GRCh37 (hg19) VCF-style: chr6-16327972-C-T.
Other names: c.570G>A, p.Thr190= (NM_000332.4); c.541G>A, p.Ala181Thr (NM_001357857.2); short protein forms A181T.
Identifiers: ClinVar variation 3047579 (VCV003047579.2), dbSNP rs745503316, ClinGen allele CA3645600.